The following is an entry in ClinVar:

NM_001456.3(FLNA):c.3806delG

Gene: FLNA (filamin A; minus strand). Cytogenetic location: Xq28.
Variant type: Deletion.
Coding change: c.3806delG on transcript NM_001456.3; coding-DNA position 3806, one base deleted (G).
Genome position (GRCh38, 1-based): chrX:154,359,905, C deleted on the plus strand (G on the coding strand, the reverse complement: FLNA is on the minus strand); the first of 2 consecutive C bases (chrX:154,359,905-154,359,906); deleting either gives the same sequence. VCF-style (leftmost placement, unchanged base first): chrX-154359904-AC-A. GRCh37 (hg19) VCF-style: chrX-153588272-AC-A.
Identifiers: ClinVar variation 2228522 (VCV002228522.2), dbSNP rs2522740030, ClinGen allele CA2580101930.

ClinVar aggregate classification (germline): Pathogenic (1 of 4 stars; one submission).

Conditions:
Familial thoracic aortic aneurysm and aortic dissection (TAAD). Also called: Thoracic aortic aneurysms and dissections. Identifiers: Orphanet 91387, MedGen C4707243, MONDO:0019625.

Submission:

Ambry Genetics
Classification: Pathogenic for Familial thoracic aortic aneurysm and aortic dissection. Last evaluated: 2021-01-12. Review status: criteria provided, single submitter. Criteria: Ambry Variant Classification Scheme 2023. Collection method: clinical testing. Allele origin: germline.
Comment: The c.3806delG (p.G1269Vfs*17) alteration, located in exon 23 (coding exon 22) of the FLNA gene, consists of a deletion of one nucleotide at position 3806, causing a translational frameshift with a predicted alternate stop codon after 17 amino acids. This alteration is expected to result in loss of function by premature protein truncation or nonsense-mediated mRNA decay. Based on data from the Genome Aggregation Database (gnomAD), the FLNA c.3806delG alteration was not observed, with coverage at this position. Based on the available evidence, this alteration is classified as pathogenic.